The following is an entry in ClinVar:

NM_173550.4(CCDC171):c.495A>G (p.Glu165=)

Gene: CCDC171 (coiled-coil domain containing 171; plus strand). Cytogenetic location: 9p22.3.
Variant type: single nucleotide variant.
Coding change: c.495A>G on transcript NM_173550.4 (MANE Select); coding-DNA position 495, A replaced by G.
Protein change: p.Glu165=; no amino-acid change (glutamic acid 165 retained).
Molecular consequence: synonymous variant.
Genome position (GRCh38, 1-based): chr9:15,591,508, A>G. VCF-style: chr9-15591508-A-G. GRCh37 (hg19) VCF-style: chr9-15591506-A-G.
Other names: c.216A>G, p.Glu72= (NM_001348002.2); c.495A>G, p.Glu165= (NM_001355547.1).
Identifiers: ClinVar variation 2659092 (VCV002659092.24), dbSNP rs763777871, ClinGen allele CA4994141.

ClinVar aggregate classification (germline): Likely benign (1 of 4 stars; one submission).

Allele frequency attached by ClinVar (database versions not stated): ExAC 0.00001; gnomAD 0.00001; gnomAD exomes 0.00001; TOPMed 0.00002.
gnomAD v4.1: 13 of 1,601,588 alleles (0.00081%); highest among the groups gnomAD compares: East Asian, 0.0022%; no homozygotes.

Submission:

CeGaT Center for Human Genetics Tuebingen
Classification: Likely benign. Last evaluated: 2022-03-01. Review status: criteria provided, single submitter. Criteria: CeGaT Center For Human Genetics Tuebingen Variant Classification Criteria Version 2. Collection method: clinical testing. Allele origin: germline. Affected: yes. Observed: 1 variant allele.
Comment: CCDC171: BP4, BP7